The following is an entry in ClinVar:

NC_000023.10:g.(?_22111536)_(22117227_?)del

Gene: PHEX (phosphate regulating endopeptidase X-linked; plus strand). Cytogenetic location: Xp22.11.
Variant type: Deletion.
Identifiers: ClinVar variation 3246199 (VCV003246199.1).

ClinVar aggregate classification (germline): Pathogenic (1 of 4 stars; one submission).

Submission:

Labcorp Genetics (formerly Invitae), Labcorp
Classification: Pathogenic. Last evaluated: 2023-12-10. Review status: criteria provided, single submitter. Criteria: Invitae Variant Classification Sherloc (09022015). Collection method: clinical testing. Allele origin: unknown.
Comment: This variant results in the deletion of exons 7-8 and part of exon 9 (c.733-565_1037del) of the PHEX gene. It is expected to disrupt RNA splicing. Variants that disrupt the donor or acceptor splice site typically lead to a loss of protein function (PMID: 16199547), and loss-of-function variants in PHEX are known to be pathogenic (PMID: 9097956, 9106524, 19219621). This variant has not been reported in the literature in individuals affected with PHEX-related conditions. This variant disrupts a region of the PHEX protein in which other variant(s) (p.Phe252Ser) have been determined to be pathogenic (PMID: 11502829). This suggests that this is a clinically significant region of the protein, and that variants that disrupt it are likely to be disease-causing. For these reasons, this variant has been classified as Pathogenic.

Literature cited by the submitters: PubMed 16199547; PubMed 9097956; PubMed 9106524; PubMed 19219621; PubMed 11502829.